The following is an entry in ClinVar:

ClinVar aggregate classification (germline): Uncertain significance (1 of 4 stars; one submission).

Conditions:
Inborn genetic diseases. Identifiers: MedGen C0950123, MeSH D030342.

Submission:

Ambry Genetics
Classification: Uncertain significance for Inborn genetic diseases. Last evaluated: 2025-11-29. Review status: criteria provided, single submitter. Criteria: Ambry Variant Classification Scheme 2023. Collection method: clinical testing. Allele origin: germline.
Comment: The p.Q921K variant (also known as c.2761C>A), located in coding exon 21 of the BUB1B gene, results from a C to A substitution at nucleotide position 2761. The glutamine at codon 921 is replaced by lysine, an amino acid with similar properties. This amino acid position is conserved. In addition, this alteration is predicted to be tolerated by in silico analysis. Based on the available evidence, the clinical significance of this variant remains unclear.

NM_001211.6(BUB1B):c.2761C>A (p.Gln921Lys)

Genes: BUB1B (BUB1 mitotic checkpoint serine/threonine kinase B; plus strand), BUB1B-PAK6 (BUB1B-PAK6 readthrough; plus strand). Cytogenetic location: 15q15.1.
Variant type: single nucleotide variant.
Coding change: c.2761C>A on transcript NM_001211.6 (MANE Select); coding-DNA position 2761, C replaced by A.
Protein change: p.Gln921Lys; replaces glutamine 921 with lysine.
Molecular consequence: missense variant. On other transcripts: 5 prime UTR variant (2).
Genome position (GRCh38, 1-based): chr15:40,217,578, C>A. VCF-style: chr15-40217578-C-A. GRCh37 (hg19) VCF-style: chr15-40509779-C-A.
Other names: c.-290C>A (NM_001128628.3); c.-207C>A (NM_001128629.3); short protein forms Q921K.
Identifiers: ClinVar variation 4600654 (VCV004600654.1).